The following is an entry in ClinVar:

NM_001199138.2(NLRC4):c.541del (p.Arg181fs)

Gene: NLRC4 (NLR family CARD domain containing 4; minus strand). Cytogenetic location: 2p22.3.
Variant type: Deletion.
Coding change: c.541del on transcript NM_001199138.2 (MANE Select); coding-DNA position 541, one base deleted (C; older notation c.541delC).
Protein change: p.Arg181fs; shifts the reading frame from arginine 181.
Molecular consequence: frameshift variant. On other transcripts: intron variant (1).
Genome position (GRCh38, 1-based): chr2:32,251,323, G deleted on the plus strand (C on the coding strand, the reverse complement: NLRC4 is on the minus strand). VCF-style (leftmost placement, unchanged base first): chr2-32251322-CG-C. GRCh37 (hg19) VCF-style: chr2-32476391-CG-C.
Other names: c.541delC, p.Arg181Glufs (NM_001199139.2, NM_021209.5); c.262+1096del (NM_001302504.1); short protein forms R181fs.
Identifiers: ClinVar variation 2099443 (VCV002099443.4), dbSNP rs2466763559, ClinGen allele CA2580066399.

ClinVar aggregate classification (germline): Uncertain significance (1 of 4 stars; one submission).

Conditions:
Periodic fever-infantile enterocolitis-autoinflammatory syndrome. Also called: Autoinflammation with infantile enterocolitis. Identifiers: Orphanet 436166, MedGen C4015067, MONDO:0014472, OMIM 616050.
Familial cold autoinflammatory syndrome 4 (FCAS4). Identifiers: Orphanet 47045, Orphanet 576349, MedGen C4015276, MONDO:0014498, OMIM 616115.

Submission:

Labcorp Genetics (formerly Invitae), Labcorp
Classification: Uncertain significance for Periodic fever-infantile enterocolitis-autoinflammatory syndrome; Familial cold autoinflammatory syndrome 4. Last evaluated: 2022-04-07. Review status: criteria provided, single submitter. Criteria: Invitae Variant Classification Sherloc (09022015). Collection method: clinical testing. Allele origin: germline.
Comment: This variant is not present in population databases (gnomAD no frequency). In summary, the available evidence is currently insufficient to determine the role of this variant in disease. Therefore, it has been classified as a Variant of Uncertain Significance. Algorithms developed to predict the effect of sequence changes on RNA splicing suggest that this variant may create or strengthen a splice site. This variant has not been reported in the literature in individuals affected with NLRC4-related conditions. This sequence change creates a premature translational stop signal (p.Arg181Glufs*14) in the NLRC4 gene. It is expected to result in an absent or disrupted protein product. However, the current clinical and genetic evidence is not sufficient to establish whether loss-of-function variants in NLRC4 cause disease.